The following is an entry in ClinVar:

NM_004380.3(CREBBP):c.4598G>C (p.Ser1533Thr)

Gene: CREBBP (CREB binding lysine acetyltransferase; minus strand). Cytogenetic location: 16p13.3.
Variant type: single nucleotide variant.
Coding change: c.4598G>C on transcript NM_004380.3 (MANE Select); coding-DNA position 4598, G replaced by C.
Protein change: p.Ser1533Thr; replaces serine 1533 with threonine.
Molecular consequence: missense variant.
Genome position (GRCh38, 1-based): chr16:3,736,166, C>G on the plus strand (G>C on the coding strand, the complement: CREBBP is on the minus strand). VCF-style: chr16-3736166-C-G. GRCh37 (hg19) VCF-style: chr16-3786167-C-G.
Other names: c.4484G>C, p.Ser1495Thr (NM_001079846.1); short protein forms S1495T, S1533T.
Identifiers: ClinVar variation 5019451 (VCV005019451.2).

ClinVar aggregate classification (germline): Uncertain significance (1 of 4 stars; one submission).

Conditions:
Menke-Hennekam syndrome 1 (MKHK1). Identifiers: MedGen C5193034, MONDO:0020763, OMIM 618332.
Rubinstein-Taybi syndrome due to CREBBP mutations (RSTS1). Also called: RUBINSTEIN SYNDROME; Rubinstein-Taybi syndrome 1; RUBINSTEIN-TAYBI SYNDROME 1, INCOMPLETE; BROAD THUMBS AND GREAT TOES, CHARACTERISTIC FACIES, AND IMPAIRED INTELLECTUAL DEVELOPMENT; CREBBP-Related Rubinstein-Taybi Syndrome; BROAD THUMB-HALLUX SYNDROME. Identifiers: Orphanet 353277, Orphanet 783, MedGen C4551859, MONDO:0008393, OMIM 180849.

Submission:

Juno Genomics, Hangzhou Juno Genomics, Inc
Classification: Uncertain significance for Rubinstein-Taybi syndrome due to CREBBP mutations; Menke-Hennekam syndrome 1. Review status: criteria provided, single submitter. Criteria: ACMG Guidelines, 2015. Collection method: clinical testing. Allele origin: germline.
Comment: Absent from controls (or at extremely low frequency if recessive) in Genome Aggregation Database.;Multiple lines of computational evidence support a deleterious effect on the gene or gene product.;Missense variant in a gene that has a low rate of benign missense variation.